The following is an entry in ClinVar:

NM_133259.4(LRPPRC):c.3824_3825+8del

Gene: LRPPRC (leucine rich pentatricopeptide repeat containing; minus strand). Cytogenetic location: 2p21.
Variant type: Deletion.
Coding change: c.3824_3825+8del on transcript NM_133259.4 (MANE Select); coding-DNA position 3824 through 8 bases into the intron after coding-DNA position 3825, 10 bases deleted (AGGTAATGAC; older notation c.3824_3825+8delAGGTAATGAC).
Molecular consequence: splice donor variant.
Genome position (GRCh38, 1-based): chr2:43,899,211-43,899,220, GTCATTACCT deleted on the plus strand (AGGTAATGAC on the coding strand, the reverse complement: LRPPRC is on the minus strand); deleting any 10 consecutive bases within chr2:43,899,211-43,899,222 gives the same sequence; the c. name uses the placement nearest the transcript's 3' end. VCF-style (leftmost placement, unchanged base first): chr2-43899210-GGTCATTACCT-G. GRCh37 (hg19) VCF-style: chr2-44126349-GGTCATTACCT-G.
Identifiers: ClinVar variation 5004118 (VCV005004118.1).

ClinVar aggregate classification (germline): Likely pathogenic (1 of 4 stars; one submission).

Conditions:
Congenital lactic acidosis, Saguenay-Lac-Saint-Jean type (MC4DN5). Also called: CYTOCHROME c OXIDASE DEFICIENCY, FRENCH CANADIAN TYPE; COX DEFICIENCY, FRENCH CANADIAN TYPE; MITOCHONDRIAL COMPLEX IV DEFICIENCY, NUCLEAR TYPE 5. Identifiers: Orphanet 70472, MedGen C1857355, MONDO:0009069, OMIM 220111.

Submission:

Myriad Genetics, Inc.
Classification: Likely pathogenic for Congenital lactic acidosis, Saguenay-Lac-Saint-Jean type. Last evaluated: 2025-08-13. Review status: criteria provided, single submitter. Criteria: Myriad Autosomal Dominant, Autosomal Recessive and X-Linked Classification Criteria (2023). Collection method: clinical testing. Allele origin: unknown.
Comment: NM_133259.3(LRPPRC):c.3824_3825+8del10 is a variant in a canonical splice site classified as likely pathogenic in the context of Leigh syndrome, French-Canadian type. c.3824_3825+8del10 has not been observed in cases with relevant disease. Relevant functional assessments of this variant are not available in the literature. c.3824_3825+8del10 has not been observed in referenced population frequency databases. In summary, NM_133259.3(LRPPRC):c.3824_3825+8del10 is a variant in a canonical splice site in a gene where loss of function is a known mechanism of disease and is predicted to disrupt protein function. Please note: this variant was assessed in the context of healthy population screening.